The following is an entry in ClinVar:

ClinVar aggregate classification (germline): Conflicting classifications of pathogenicity. Review status: criteria provided, conflicting classifications (1 of 4 stars). 24 submissions from 20 submitters: Uncertain significance (3); Benign (7); Likely benign (9). 5 of the submissions do not count toward it. Last evaluated 2026-09-01.

Conditions:
Cardiovascular phenotype. Identifiers: MedGen CN230736.
Dilated cardiomyopathy 1G (CMD1G). Identifiers: Orphanet 154, MedGen C1858763, MONDO:0011400, OMIM 604145.
Autosomal recessive limb-girdle muscular dystrophy type 2J (LGMDR10). Also called: Limb-girdle muscular dystrophy, type 2J; MUSCULAR DYSTROPHY, LIMB-GIRDLE, AUTOSOMAL RECESSIVE 10. Identifiers: Orphanet 140922, MedGen C1837342, MONDO:0012127, OMIM 608807.
Cardiomyopathy (CMYO). Also called: Cardiomyopathies. Identifiers: Orphanet 167848, MedGen C0878544, MONDO:0004994, HP:0001638. Inheritance: Various modes of inheritance.
Myopathy, myofibrillar, 9, with early respiratory failure (MFM9). Also called: Hereditary myopathy with early respiratory failure; MYOPATHY, PROXIMAL, WITH EARLY RESPIRATORY MUSCLE INVOLVEMENT; Myopathy, distal, with early respiratory failure, autosomal dominant; EDSTROM MYOPATHY. Identifiers: Orphanet 178464, Orphanet 34521, MedGen C1863599, MONDO:0011362, OMIM 603689.
Tibial muscular dystrophy (TMD). Also called: UDD MYOPATHY; Tibial muscular dystrophy, tardive; Udd Distal Myopathy – Tibial Muscular Dystrophy. Identifiers: Orphanet 609, MedGen C1838244, MONDO:0010870, OMIM 600334.
Early-onset myopathy with fatal cardiomyopathy (CMYO5). Also called: Salih Myopathy; CONGENITAL MYOPATHY 5 WITH CARDIOMYOPATHY. Identifiers: Orphanet 289377, MedGen C2673677, MONDO:0012714, OMIM 611705. Disease mechanism: loss of function.

Allele frequency attached by ClinVar (database versions not stated): gnomAD 0.00097; 1000 Genomes Project 0.00040; gnomAD exomes 0.00070 and 0.00126; TOPMed 0.00102; 1000 Genomes Project 30x 0.00031; ESP Exome Variant Server 0.00048; ExAC 0.00064.
gnomAD v4.1: 1,941 of 1,601,666 alleles (0.12%); highest among the groups gnomAD compares: Non-Finnish European, 0.15%; 4 homozygotes.

Submissions (24):

CeGaT Center for Human Genetics Tuebingen
Classification: Likely benign. Last evaluated: 2026-09-01. Review status: criteria provided, single submitter. Criteria: CeGaT Center For Human Genetics Tuebingen Variant Classification Criteria Version 2. Collection method: clinical testing. Allele origin: germline. Affected: yes. Observed: 10 variant alleles.
Comment: TTN: BP4, BP7

Labcorp Genetics (formerly Invitae), Labcorp
Classification: Likely benign for Dilated cardiomyopathy 1G; Autosomal recessive limb-girdle muscular dystrophy type 2J. Last evaluated: 2026-02-03. Review status: criteria provided, single submitter. Criteria: Invitae Variant Classification Sherloc (09022015). Collection method: clinical testing. Allele origin: germline.

Mayo Clinic Laboratories, Mayo Clinic
Classification: Likely benign. Last evaluated: 2025-07-04. Review status: criteria provided, single submitter. Criteria: ACMG Guidelines, 2015. Collection method: clinical testing. Allele origin: germline. Observed: 4 variant alleles.
Comment: BP4, BP7

Molecular Diagnostic Laboratory for Inherited Cardiovascular Disease, Montreal Heart Institute
Classification: Benign. Last evaluated: 2025-04-09. Review status: criteria provided, single submitter. Criteria: ACMG Guidelines, 2015. Collection method: clinical testing. Allele origin: germline. Affected: no.

Athena Diagnostics
Classification: Benign. Last evaluated: 2024-12-24. Review status: criteria provided, single submitter. Criteria: Athena Diagnostics Criteria. Collection method: clinical testing. Allele origin: unknown.
Comment: The frequency of this variant in the general population is higher than would generally be expected for pathogenic variants in this gene. Computational tools yielded predictions that this variant is unlikely to have an effect on normal RNA splicing. This nucleotide position exhibits low evolutionary conservation.

Blueprint Genetics
Classification: Likely benign. Last evaluated: 2024-11-22. Review status: criteria provided, single submitter. Criteria: ACMG Guidelines, 2015. Collection method: clinical testing. Allele origin: germline.

ARUP Laboratories, Molecular Genetics and Genomics, ARUP Laboratories
Classification: Likely benign. Last evaluated: 2021-03-10. Review status: criteria provided, single submitter. Criteria: ARUP Molecular Germline Variant Investigation Process 2021. Collection method: clinical testing. Allele origin: germline.

Women's Health and Genetics/Laboratory Corporation of America, LabCorp
Classification: Benign. Last evaluated: 2020-10-31. Review status: criteria provided, single submitter. Criteria: LabCorp Variant Classification Summary - May 2015. Collection method: clinical testing. Allele origin: germline.

CHEO Genetics Diagnostic Laboratory, Children's Hospital of Eastern Ontario
Classification: Benign for Cardiomyopathy. Last evaluated: 2019-01-08. Review status: criteria provided, single submitter. Criteria: ACMG Guidelines, 2015. Collection method: clinical testing. Allele origin: germline.

Illumina Laboratory Services, Illumina
Classification: Benign for Tibial muscular dystrophy. Last evaluated: 2018-01-12. Review status: criteria provided, single submitter. Criteria: ICSL Variant Classification Criteria 13 December 2019. Collection method: clinical testing. Allele origin: germline.
Comment: This variant was observed in the ICSL laboratory as part of a predisposition screen in an ostensibly healthy population. It had not been previously curated by ICSL or reported in the Human Gene Mutation Database (HGMD: prior to June 1st, 2018), and was therefore a candidate for classification through an automated scoring system. Utilizing variant allele frequency, disease prevalence and penetrance estimates, and inheritance mode, an automated score was calculated to assess if this variant is too frequent to cause the disease. Based on the score and internal cut-off values, a variant classified as benign is not then subjected to further curation. The score for this variant resulted in a classification of benign for this disease.

Illumina Laboratory Services, Illumina
Classification: Uncertain significance for Early-onset myopathy with fatal cardiomyopathy. Last evaluated: 2018-01-12. Review status: criteria provided, single submitter. Criteria: ICSL Variant Classification Criteria 13 December 2019. Collection method: clinical testing. Allele origin: germline.

Illumina Laboratory Services, Illumina
Classification: Uncertain significance for Autosomal recessive limb-girdle muscular dystrophy type 2J. Last evaluated: 2018-01-12. Review status: criteria provided, single submitter. Criteria: ICSL Variant Classification Criteria 13 December 2019. Collection method: clinical testing. Allele origin: germline.

Illumina Laboratory Services, Illumina
Classification: Benign for Myopathy, myofibrillar, 9, with early respiratory failure. Last evaluated: 2018-01-12. Review status: criteria provided, single submitter. Criteria: ICSL Variant Classification Criteria 13 December 2019. Collection method: clinical testing. Allele origin: germline.
Comment: the same text as in the submission from Illumina Laboratory Services, Illumina above.

Illumina Laboratory Services, Illumina
Classification: Uncertain significance for Dilated cardiomyopathy 1G. Last evaluated: 2018-01-12. Review status: criteria provided, single submitter. Criteria: ICSL Variant Classification Criteria 13 December 2019. Collection method: clinical testing. Allele origin: germline.

Eurofins Ntd Llc (ga)
Classification: Likely benign. Last evaluated: 2016-07-19. Review status: criteria provided, single submitter. Criteria: EGL Classification Definitions 2015. Collection method: clinical testing. Allele origin: germline. Observed: 4 variant alleles, 4 heterozygotes.

Ambry Genetics
Classification: Likely benign for Cardiovascular phenotype. Last evaluated: 2015-06-29. Review status: criteria provided, single submitter. Criteria: Ambry Variant Classification Scheme 2023. Collection method: clinical testing. Allele origin: germline.

GeneDx
Classification: Benign. Last evaluated: 2013-03-08. Review status: criteria provided, single submitter. Criteria: GeneDx Variant Classification (06012015). Collection method: clinical testing. Allele origin: germline. Affected: yes.
Comment: This variant is considered likely benign or benign based on one or more of the following criteria: it is a conservative change, it occurs at a poorly conserved position in the protein, it is predicted to be benign by multiple in silico algorithms, and/or has population frequency not consistent with disease.

Laboratory for Molecular Medicine, Mass General Brigham Personalized Medicine
Classification: Likely benign. Last evaluated: 2012-03-19. Review status: criteria provided, single submitter. Criteria: LMM Criteria. Collection method: clinical testing. Allele origin: germline. Observed: 2 variant alleles.
Comment: Ser33231Ser in exon 311 of TTN: This variant is not expected to have clinical si gnificance because it does not alter an amino acid residue and is not located wi thin the splice consensus sequence. It has been identified in 0.1% (5/6808) of E uropean American chromosomes from a broad population by the NHLBI Exome Sequenci ng Project.

PreventionGenetics, part of Exact Sciences
Classification: Likely benign. Review status: criteria provided, single submitter. Criteria: ACMG Guidelines, 2015. Collection method: clinical testing. Allele origin: germline.

Clinical Genetics DNA and cytogenetics Diagnostics Lab, Erasmus MC, Erasmus Medical Center
Classification: Likely benign. Review status: no assertion criteria provided. Collection method: clinical testing. Allele origin: germline. Affected: yes. Study: VKGL Data-share Consensus. Not counted in ClinVar's aggregate classification.

Clinical Genetics, Academic Medical Center
Classification: Benign. Review status: no assertion criteria provided. Collection method: clinical testing. Allele origin: germline. Affected: yes. Study: VKGL Data-share Consensus. Not counted in ClinVar's aggregate classification.

Diagnostic Laboratory, Department of Genetics, University Medical Center Groningen
Classification: Likely benign. Review status: no assertion criteria provided. Collection method: clinical testing. Allele origin: germline. Affected: yes. Study: VKGL Data-share Consensus. Not counted in ClinVar's aggregate classification.

Genome Diagnostics Laboratory, University Medical Center Utrecht
Classification: Likely benign. Review status: no assertion criteria provided. Collection method: clinical testing. Allele origin: germline. Affected: yes. Study: VKGL Data-share Consensus. Not counted in ClinVar's aggregate classification.

Joint Genome Diagnostic Labs from Nijmegen and Maastricht, Radboudumc and MUMC+
Classification: Benign. Review status: no assertion criteria provided. Collection method: clinical testing. Allele origin: germline. Affected: yes. Study: VKGL Data-share Consensus. Not counted in ClinVar's aggregate classification.

Literature cited by the submitters: PubMed 37904629 (cited by Athena Diagnostics).

NM_001267550.2(TTN):c.107397C>T (p.Ser35799=)

Genes: TTN (titin; minus strand), TTN-AS1 (TTN antisense RNA 1; plus strand). Cytogenetic location: 2q31.2.
Variant type: single nucleotide variant.
Coding change: c.107397C>T on transcript NM_001267550.2 (MANE Select); coding-DNA position 107397, C replaced by T.
Protein change: p.Ser35799=; no amino-acid change (serine 35799 retained).
Molecular consequence: synonymous variant.
Genome position (GRCh38, 1-based): chr2:178,527,729, G>A on the plus strand (C>T on the coding strand, the complement: TTN is on the minus strand). VCF-style: chr2-178527729-G-A. GRCh37 (hg19) VCF-style: chr2-179392456-G-A.
Other names: p.S33231S:TCC>TCT; p.Ser33231=; c.80202C>T, p.Ser26734= (NM_003319.4); c.99693C>T, p.Ser33231= (NM_133378.4); c.80577C>T, p.Ser26859= (NM_133432.3); c.80778C>T, p.Ser26926= (NM_133437.4); c.102474C>T, p.Ser34158= (NM_001256850.1).
Identifiers: ClinVar variation 137821 (VCV000137821.77), dbSNP rs371480338, ClinGen allele CA295718.